The following is an entry in ClinVar:

ClinVar aggregate classification (germline): Uncertain significance. Review status: criteria provided, multiple submitters, no conflicts (2 of 4 stars). 2 submissions from 2 submitters: Uncertain significance (2). Last evaluated 2025-07-21.

Conditions:
Insulin-dependent diabetes mellitus secretory diarrhea syndrome (IPEX). Also called: X-Linked Autoimmunity-Allergic Dysregulation Syndrome; Immunodeficiency, Polyendocrinopathy, and Enteropathy X-Linked Syndrome; X-Linked Syndrome of Polyendocrinopathy, Immune Dysfunction, and Diarrhea; DIABETES MELLITUS, CONGENITAL INSULIN-DEPENDENT, WITH FATAL SECRETORY DIARRHEA; DIARRHEA, POLYENDOCRINOPATHY, FATAL INFECTION SYNDROME, X-LINKED; ENTEROPATHY, AUTOIMMUNE, WITH HEMOLYTIC ANEMIA AND POLYENDOCRINOPATHY. Identifiers: Orphanet 37042, MedGen C0342288, MONDO:0010580, OMIM 304790. Disease mechanism: loss of function.

Submissions (2):

Labcorp Genetics (formerly Invitae), Labcorp
Classification: Uncertain significance for Insulin-dependent diabetes mellitus secretory diarrhea syndrome. Last evaluated: 2025-07-21. Review status: criteria provided, single submitter. Criteria: Invitae Variant Classification Sherloc (09022015). Collection method: clinical testing. Allele origin: germline.
Comment: This sequence change replaces glutamic acid, which is acidic and polar, with lysine, which is basic and polar, at codon 243 of the FOXP3 protein (p.Glu243Lys). This variant is not present in population databases (gnomAD no frequency). This variant has not been reported in the literature in individuals affected with FOXP3-related conditions. ClinVar contains an entry for this variant (Variation ID: 2844505). Invitae Evidence Modeling of protein sequence and biophysical properties (such as structural, functional, and spatial information, amino acid conservation, physicochemical variation, residue mobility, and thermodynamic stability) has been performed for this missense variant. However, the output from this modeling did not meet the statistical confidence thresholds required to predict the impact of this variant on FOXP3 protein function. In summary, the available evidence is currently insufficient to determine the role of this variant in disease. Therefore, it has been classified as a Variant of Uncertain Significance.

Fulgent Genetics
Classification: Uncertain significance for Insulin-dependent diabetes mellitus secretory diarrhea syndrome. Last evaluated: 2024-05-17. Review status: criteria provided, single submitter. Criteria: ACMG Guidelines, 2015. Collection method: clinical testing. Allele origin: germline.

NM_014009.4(FOXP3):c.727G>A (p.Glu243Lys)

Gene: FOXP3 (forkhead box P3; minus strand). Cytogenetic location: Xp11.23.
Variant type: single nucleotide variant.
Coding change: c.727G>A on transcript NM_014009.4 (MANE Select); coding-DNA position 727, G replaced by A.
Protein change: p.Glu243Lys; replaces glutamic acid 243 with lysine.
Molecular consequence: missense variant.
Genome position (GRCh38, 1-based): chrX:49,255,723, C>T on the plus strand (G>A on the coding strand, the complement: FOXP3 is on the minus strand). VCF-style: chrX-49255723-C-T. GRCh37 (hg19) VCF-style: chrX-49112184-C-T.
Other names: c.622G>A, p.Glu208Lys (NM_001114377.2); short protein forms E208K, E243K.
Identifiers: ClinVar variation 2844505 (VCV002844505.4), dbSNP rs2519192107, ClinGen allele CA412951071.